The following is an entry in ClinVar:

NM_000458.4(HNF1B):c.218G>T (p.Arg73Leu)

Gene: HNF1B (HNF1 homeobox B; minus strand). Cytogenetic location: 17q12.
Variant type: single nucleotide variant.
Coding change: c.218G>T on transcript NM_000458.4 (MANE Select); coding-DNA position 218, G replaced by T.
Protein change: p.Arg73Leu; replaces arginine 73 with leucine.
Molecular consequence: missense variant.
Genome position (GRCh38, 1-based): chr17:37,744,667, C>A on the plus strand (G>T on the coding strand, the complement: HNF1B is on the minus strand). VCF-style: chr17-37744667-C-A. GRCh37 (hg19) VCF-style: chr17-36104658-C-A.
Other names: c.218G>T, p.Arg73Leu (NM_001165923.4, NM_001304286.2); short protein forms R73L.
Identifiers: ClinVar variation 1318859 (VCV001318859.3), dbSNP rs2034115814, ClinGen allele CA398753777.

ClinVar aggregate classification (germline): Uncertain significance. Review status: criteria provided, multiple submitters, no conflicts (2 of 4 stars). 2 submissions from 2 submitters: Uncertain significance (2). Last evaluated 2024-09-30.

Allele frequency attached by ClinVar (database versions not stated): gnomAD 0.00001; TOPMed 0.00001.
gnomAD v4.1: 7 of 1,613,162 alleles (0.00043%); highest among the groups gnomAD compares: African/African-American, 0.0013%; no homozygotes.

Submissions (2):

ARUP Laboratories, Molecular Genetics and Genomics, ARUP Laboratories
Classification: Uncertain significance. Last evaluated: 2024-09-30. Review status: criteria provided, single submitter. Criteria: ARUP Molecular Germline Variant Investigation Process 2024. Collection method: clinical testing. Allele origin: germline.
Comment: The HNF1B c.218G>T; p.Arg73Leu variant (rs2034115814), to our knowledge, is not reported in the medical literature but is reported in ClinVar (Variation ID: 1318859). This variant is absent from the Genome Aggregation Database (v2.1.1), indicating it is not a common polymorphism. Computational analyses are uncertain whether this variant is neutral or deleterious (REVEL: 0.45). Due to limited information, the clinical significance of this variant is uncertain at this time.

GeneDx
Classification: Uncertain significance. Last evaluated: 2020-01-16. Review status: criteria provided, single submitter. Criteria: GeneDx Variant Classification Process June 2021. Collection method: clinical testing. Allele origin: germline. Affected: yes.
Comment: Not observed in large population cohorts (Lek et al., 2016); In silico analysis, which includes protein predictors and evolutionary conservation, supports a deleterious effect; Has not been previously published as pathogenic or benign to our knowledge